The following is an entry in ClinVar:

ClinVar aggregate classification (germline): Uncertain significance (1 of 4 stars; one submission).

Submission:

Women's Health and Genetics/Laboratory Corporation of America, LabCorp
Classification: Uncertain significance. Last evaluated: 2024-12-23. Review status: criteria provided, single submitter. Criteria: LabCorp Variant Classification Summary - May 2015. Collection method: clinical testing. Allele origin: germline.
Comment: Variant summary: GNPTAB c.1541T>C (p.Leu514Pro) results in a non-conservative amino acid change in the encoded protein sequence. Five of five in-silico tools predict a damaging effect of the variant on protein function. The variant was absent in 251452 control chromosomes. The available data on variant occurrences in the general population are insufficient to allow any conclusion about variant significance. c.1541T>C has been reported in the presumed compound heterozygous state in the literature in individuals affected with Mucolipidosis (example, Tabone_2019). These data do not allow any conclusion about variant significance. To our knowledge, no experimental evidence demonstrating an impact on protein function has been reported. The following publication have been ascertained in the context of this evaluation (PMID: 31038846). No submitters have cited clinical-significance assessments for this variant to ClinVar. Based on the evidence outlined above, the variant was classified as uncertain significance.

Literature cited by the submitters: PubMed 31038846.

NM_024312.5(GNPTAB):c.1541T>C (p.Leu514Pro)

Gene: GNPTAB (N-acetylglucosamine-1-phosphate transferase subunits alpha and beta; minus strand). Cytogenetic location: 12q23.2.
Variant type: single nucleotide variant.
Coding change: c.1541T>C on transcript NM_024312.5 (MANE Select); coding-DNA position 1541, T replaced by C.
Protein change: p.Leu514Pro; replaces leucine 514 with proline.
Molecular consequence: missense variant.
Genome position (GRCh38, 1-based): chr12:101,766,162, A>G on the plus strand (T>C on the coding strand, the complement: GNPTAB is on the minus strand). VCF-style: chr12-101766162-A-G. GRCh37 (hg19) VCF-style: chr12-102159940-A-G.
Other names: short protein forms L514P.
Identifiers: ClinVar variation 3768485 (VCV003768485.1).